The following is an entry in ClinVar:

ClinVar aggregate classification (germline): Pathogenic/Likely pathogenic. Review status: criteria provided, multiple submitters, no conflicts (2 of 4 stars). 3 submissions from 3 submitters: Pathogenic (1); Likely pathogenic (1). 1 of the submissions does not count toward it. Last evaluated 2025-10-06.

Conditions:
DNAI2-related disorder. Also called: DNAI2-related condition.
Primary ciliary dyskinesia. Also called: Ciliary dyskinesia. Identifiers: Orphanet 244, MedGen C0008780, MONDO:0016575, HP:0012265.

gnomAD v4.1: 25 of 1,611,590 alleles (0.0016%); highest among the groups gnomAD compares: African/African-American, 0.0027%; no homozygotes.

Submissions (3):

Natera, Inc.
Classification: Likely pathogenic for Primary ciliary dyskinesia. Last evaluated: 2025-10-06. Review status: criteria provided, single submitter. Criteria: Natera Variant Classification Schema (03/2026). Collection method: clinical testing. Allele origin: germline.
Comment: The c.1516C>T variant in DNAI2 is a nonsense variant predicted to introduce a stop codon at amino acid 506. This variant is expected to result in nonsense mediated decay, truncation, or a dysfunctional protein product. This variant is rare in the general population with a frequency below the threshold expected for the associated phenotype(s). Given the available evidence, this variant is classified as Likely Pathogenic.

Labcorp Genetics (formerly Invitae), Labcorp
Classification: Pathogenic for Primary ciliary dyskinesia. Last evaluated: 2024-10-23. Review status: criteria provided, single submitter. Criteria: Invitae Variant Classification Sherloc (09022015). Collection method: clinical testing. Allele origin: germline.
Comment: This sequence change creates a premature translational stop signal (p.Arg506*) in the DNAI2 gene. It is expected to result in an absent or disrupted protein product. Loss-of-function variants in DNAI2 are known to be pathogenic (PMID: 18950741, 23891469). This variant is present in population databases (rs141581673, gnomAD 0.01%). This premature translational stop signal has been observed in individual(s) with primary ciliary dyskinesia (internal data). ClinVar contains an entry for this variant (Variation ID: 408962). For these reasons, this variant has been classified as Pathogenic.

PreventionGenetics, part of Exact Sciences
Classification: Likely pathogenic for DNAI2-related condition. Last evaluated: 2024-07-01. Review status: no assertion criteria provided. Collection method: clinical testing. Allele origin: germline. Not counted in ClinVar's aggregate classification.
Comment: The DNAI2 c.1516C>T variant is predicted to result in premature protein termination (p.Arg506*). To our knowledge, this variant has not been reported in the literature. This variant is reported in 0.012% of alleles in individuals of African descent in gnomAD. Nonsense variants in DNAI2 are expected to be pathogenic. This variant is interpreted as likely pathogenic.

Literature cited by the submitters: PubMed 18950741 (cited by Labcorp Genetics (formerly Invitae), Labcorp); PubMed 23891469 (cited by Labcorp Genetics (formerly Invitae), Labcorp).

NM_023036.6(DNAI2):c.1516C>T (p.Arg506Ter)

Gene: DNAI2 (dynein axonemal intermediate chain 2; plus strand). Cytogenetic location: 17q25.1.
Variant type: single nucleotide variant.
Coding change: c.1516C>T on transcript NM_023036.6 (MANE Select); coding-DNA position 1516, C replaced by T.
Protein change: p.Arg506Ter; replaces arginine 506 with a stop codon.
Molecular consequence: nonsense. On other transcripts: non-coding transcript variant (1).
Genome position (GRCh38, 1-based): chr17:74,312,024, C>T. VCF-style: chr17-74312024-C-T. GRCh37 (hg19) VCF-style: chr17-72308163-C-T.
Other names: c.1480C>T, p.Arg494Ter (NM_001172810.3); c.1516C>T, p.Arg506Ter (NM_001353167.2); c.1516C>T (NM_023036.5); short protein forms R506*, R494*.
Identifiers: ClinVar variation 408962 (VCV000408962.12), dbSNP rs141581673, ClinGen allele CA8745821.
Genomic context (GRCh38, chr17:74,312,024, plus strand): 5'-CCTCTCCCCACCGGGCTCTCTCTGTCCCTGGGTGCCCAGATGTTTGAGCGTGAGACCCGG[C>T]GAGAGAAGATCCTGGAGGCCAGGCACCGGGAGATGCGGCTGAAGGAGAAGGGTAAGGCGG-3'